The following is an entry in ClinVar:

NM_001127217.3(SMAD9):c.362A>G (p.Gln121Arg)

Gene: SMAD9 (SMAD family member 9; minus strand). Cytogenetic location: 13q13.3.
Variant type: single nucleotide variant.
Coding change: c.362A>G on transcript NM_001127217.3 (MANE Select); coding-DNA position 362, A replaced by G.
Protein change: p.Gln121Arg; replaces glutamine 121 with arginine.
Molecular consequence: missense variant.
Genome position (GRCh38, 1-based): chr13:36,879,328, T>C on the plus strand (A>G on the coding strand, the complement: SMAD9 is on the minus strand). VCF-style: chr13-36879328-T-C. GRCh37 (hg19) VCF-style: chr13-37453465-T-C.
Other names: c.362A>G, p.Gln121Arg (NM_001378621.1, NM_005905.6); short protein forms Q121R.
Identifiers: ClinVar variation 1449237 (VCV001449237.5), dbSNP rs2138493283, ClinGen allele CA387852466.

ClinVar aggregate classification (germline): Uncertain significance (1 of 4 stars; one submission).

Conditions:
Pulmonary hypertension, primary, 2. Identifiers: Orphanet 422, MedGen C3888002, MONDO:0014134, OMIM 615342.

Submission:

Labcorp Genetics (formerly Invitae), Labcorp
Classification: Uncertain significance for Pulmonary hypertension, primary, 2. Last evaluated: 2021-08-12. Review status: criteria provided, single submitter. Criteria: Invitae Variant Classification Sherloc (09022015). Collection method: clinical testing. Allele origin: germline.
Comment: In summary, the available evidence is currently insufficient to determine the role of this variant in disease. Therefore, it has been classified as a Variant of Uncertain Significance. Algorithms developed to predict the effect of missense changes on protein structure and function (SIFT, PolyPhen-2, Align-GVGD) all suggest that this variant is likely to be disruptive. This variant has not been reported in the literature in individuals affected with SMAD9-related conditions. This variant is not present in population databases (ExAC no frequency). This sequence change replaces glutamine with arginine at codon 121 of the SMAD9 protein (p.Gln121Arg). The glutamine residue is highly conserved and there is a small physicochemical difference between glutamine and arginine.